The following is an entry in ClinVar:

NM_001271.4(CHD2):c.4029G>A (p.Lys1343=)

Gene: CHD2 (chromodomain helicase DNA binding protein 2; plus strand). Cytogenetic location: 15q26.1.
Variant type: single nucleotide variant.
Coding change: c.4029G>A on transcript NM_001271.4 (MANE Select); coding-DNA position 4029, G replaced by A.
Protein change: p.Lys1343=; no amino-acid change (lysine 1343 retained).
Molecular consequence: synonymous variant.
Genome position (GRCh38, 1-based): chr15:93,000,532, G>A. VCF-style: chr15-93000532-G-A. GRCh37 (hg19) VCF-style: chr15-93543762-G-A.
Identifiers: ClinVar variation 517798 (VCV000517798.10), dbSNP rs200781322, ClinGen allele CA7748360.

ClinVar aggregate classification (germline): Likely benign. Review status: criteria provided, multiple submitters, no conflicts (2 of 4 stars). 3 submissions from 3 submitters: Likely benign (3). Last evaluated 2026-01-24.

Conditions:
Developmental and epileptic encephalopathy 94 (DEE94). Also called: Epileptic encephalopathy, childhood-onset; CHD2-Related Neurodevelopmental Disorders. Identifiers: Orphanet 1942, Orphanet 2382, MedGen C3809278, MONDO:0014150, OMIM 615369.

Allele frequency attached by ClinVar (database versions not stated): gnomAD 0.00001; ExAC 0.00002; gnomAD exomes 0.00002 and 0.00003; 1000 Genomes Project 30x 0.00016; 1000 Genomes Project 0.00020.
gnomAD v4.1: 30 of 1,611,660 alleles (0.0019%); highest among the groups gnomAD compares: Non-Finnish European, 0.0018%; no homozygotes.

Submissions (3):

Labcorp Genetics (formerly Invitae), Labcorp
Classification: Likely benign for Developmental and epileptic encephalopathy 94. Last evaluated: 2026-01-24. Review status: criteria provided, single submitter. Criteria: Invitae Variant Classification Sherloc (09022015). Collection method: clinical testing. Allele origin: germline.

Blueprint Genetics
Classification: Likely benign. Last evaluated: 2021-06-17. Review status: criteria provided, single submitter. Criteria: ACMG Guidelines, 2015. Collection method: clinical testing. Allele origin: germline.

GeneDx
Classification: Likely benign. Last evaluated: 2017-03-17. Review status: criteria provided, single submitter. Criteria: GeneDx Variant Classification (06012015). Collection method: clinical testing. Allele origin: germline. Affected: yes.
Comment: This variant is considered likely benign or benign based on one or more of the following criteria: it is a conservative change, it occurs at a poorly conserved position in the protein, it is predicted to be benign by multiple in silico algorithms, and/or has population frequency not consistent with disease.